The following is an entry in ClinVar:

ClinVar aggregate classification (germline): Likely pathogenic. Review status: criteria provided, multiple submitters, no conflicts (2 of 4 stars). 3 submissions from 3 submitters: Likely pathogenic (2). 1 of the submissions does not count toward it. Last evaluated 2025-02-07.

Conditions:
Mucolipidosis type II. Also called: Mucolipidosis 2; ML 2; Inclusion cell disease; Leroy Disease; N-acetylglucosamine 1phosphotransferase deficiency; ML disorder type 2. Identifiers: Orphanet 576, MedGen C2673377, MONDO:0009650, OMIM 252500.
Pseudo-Hurler polydystrophy. Also called: Type III Mucolipidosis; ML IIIA; Mucolipidosis III Alpha/Beta; MUCOLIPIDOSIS IIIA; ML III; ML III ALPHA/BETA. Identifiers: Orphanet 423461, Orphanet 577, MedGen C0033788, MONDO:0018931, OMIM 252600.

Allele frequency attached by ClinVar (database versions not stated): TOPMed 0.00001.

Submissions (3):

Natera, Inc.
Classification: Likely pathogenic for Mucolipidosis type II. Last evaluated: 2025-02-07. Review status: criteria provided, single submitter. Criteria: Natera Variant Classification Schema (03/2026). Collection method: clinical testing. Allele origin: germline.
Comment: The c.242G>T variant in GNPTAB is a missense variant predicted to cause substitution of tryptophan to leucine at amino acid 81. This variant is rare in the general population with a frequency below the threshold expected for the associated phenotype(s). This variant has been observed in one or more individuals affected with the associated recessive disease, as either homozygous or compound heterozygous with a second variant (PMID: 19659762, 28918368). Functional studies show that this variant may disrupt protein function (PMID: 25505245). Computational prediction algorithms indicate this variant is likely to affect gene or protein function. Given the available evidence, this variant is classified as Likely Pathogenic.

Labcorp Genetics (formerly Invitae), Labcorp
Classification: Likely pathogenic for Pseudo-Hurler polydystrophy; Mucolipidosis type II. Last evaluated: 2022-09-28. Review status: criteria provided, single submitter. Criteria: Invitae Variant Classification Sherloc (09022015). Collection method: clinical testing. Allele origin: germline.
Comment: This sequence change replaces tryptophan, which is neutral and slightly polar, with leucine, which is neutral and non-polar, at codon 81 of the GNPTAB protein (p.Trp81Leu). This variant is not present in population databases (gnomAD no frequency). This missense change has been observed in individuals with clinical features of mucolipidosis (PMID: 19659762, 23566849, 24375680, 28918368). ClinVar contains an entry for this variant (Variation ID: 39053). Advanced modeling of protein sequence and biophysical properties (such as structural, functional, and spatial information, amino acid conservation, physicochemical variation, residue mobility, and thermodynamic stability) performed at Invitae indicates that this missense variant is expected to disrupt GNPTAB protein function. Experimental studies have shown that this missense change affects GNPTAB function (PMID: 24375680, 25505245). In summary, the currently available evidence indicates that the variant is pathogenic, but additional data are needed to prove that conclusively. Therefore, this variant has been classified as Likely Pathogenic.

GeneReviews
No classification provided. Condition: Pseudo-Hurler polydystrophy. Review status: no classification provided. Collection method: literature only. Allele origin: unknown. Not counted in ClinVar's aggregate classification.

Literature cited by the submitters: PubMed 19659762 (cited by 3 submitters); PubMed 28918368 (cited by Natera, Inc. and Labcorp Genetics (formerly Invitae), Labcorp); PubMed 25505245 (cited by Natera, Inc. and Labcorp Genetics (formerly Invitae), Labcorp); PubMed 23566849 (cited by Labcorp Genetics (formerly Invitae), Labcorp); PubMed 24375680 (cited by Labcorp Genetics (formerly Invitae), Labcorp); PubMed 20301728 (cited by GeneReviews); NCBI Bookshelf NBK1828 (cited by GeneReviews).

NM_024312.5(GNPTAB):c.242G>T (p.Trp81Leu)

Gene: GNPTAB (N-acetylglucosamine-1-phosphate transferase subunits alpha and beta; minus strand). Cytogenetic location: 12q23.2.
Variant type: single nucleotide variant.
Coding change: c.242G>T on transcript NM_024312.5 (MANE Select); coding-DNA position 242, G replaced by T.
Protein change: p.Trp81Leu; replaces tryptophan 81 with leucine.
Molecular consequence: missense variant.
Genome position (GRCh38, 1-based): chr12:101,790,019, C>A on the plus strand (G>T on the coding strand, the complement: GNPTAB is on the minus strand). VCF-style: chr12-101790019-C-A. GRCh37 (hg19) VCF-style: chr12-102183797-C-A.
Other names: short protein forms W81L.
Identifiers: ClinVar variation 39053 (VCV000039053.8), dbSNP rs281864953, ClinGen allele CA343374.